The following is an entry in ClinVar:

NM_001330360.2(POLA1):c.4173C>G (p.Asp1391Glu)

Gene: POLA1 (DNA polymerase alpha 1, catalytic subunit; plus strand). Cytogenetic location: Xp21.3.
Variant type: single nucleotide variant.
Coding change: c.4173C>G on transcript NM_001330360.2 (MANE Select); coding-DNA position 4173, C replaced by G.
Protein change: p.Asp1391Glu; replaces aspartic acid 1391 with glutamic acid.
Molecular consequence: missense variant. On other transcripts: non-coding transcript variant (2).
Genome position (GRCh38, 1-based): chrX:24,930,461, C>G. VCF-style: chrX-24930461-C-G. GRCh37 (hg19) VCF-style: chrX-24948578-C-G.
Other names: c.4098C>G, p.Asp1366Glu (NM_001378303.1); c.4155C>G, p.Asp1385Glu (NM_016937.4); short protein forms D1366E, D1385E, D1391E.
Identifiers: ClinVar variation 3611748 (VCV003611748.2).
Genomic context (GRCh38, chrX:24,930,461, plus strand): 5'-TCGCTTCCCCCTCCCCAGTAGTAGTATTCATTTATTTTCTGTTATATTACAGTATTCTGA[C>G]AAGTCCCTGTACACCCAGCTGTGCTTTTACCGGTACATTTTTGATGCGGAGTGTGCACTG-3'
Protein context (NP_001317289.1, residues 1381-1401): MKATLQPEYS[Asp1391Glu]KSLYTQLCFY

ClinVar aggregate classification (germline): Uncertain significance (1 of 4 stars; one submission).

gnomAD v4.1: 1 of 1,175,086 alleles (0.000085%); highest among the groups gnomAD compares: Admixed American, 0.0022%; no homozygotes.

Submission:

Labcorp Genetics (formerly Invitae), Labcorp
Classification: Uncertain significance. Last evaluated: 2025-09-29. Review status: criteria provided, single submitter. Criteria: Invitae Variant Classification Sherloc (09022015). Collection method: clinical testing. Allele origin: germline.
Comment: This sequence change replaces aspartic acid, which is acidic and polar, with glutamic acid, which is acidic and polar, at codon 1385 of the POLA1 protein (p.Asp1385Glu). This variant is present in population databases (no rsID available, gnomAD 0.004%). This variant has not been reported in the literature in individuals affected with POLA1-related conditions. ClinVar contains an entry for this variant (Variation ID: 3611748). Invitae Evidence Modeling of protein sequence and biophysical properties (such as structural, functional, and spatial information, amino acid conservation, physicochemical variation, residue mobility, and thermodynamic stability) indicates that this missense variant is not expected to disrupt POLA1 protein function with a negative predictive value of 80%. In summary, the available evidence is currently insufficient to determine the role of this variant in disease. Therefore, it has been classified as a Variant of Uncertain Significance.